The following is an entry in ClinVar:

ClinVar aggregate classification (germline): Uncertain significance (1 of 4 stars; one submission).

Allele frequency attached by ClinVar (database versions not stated): TOPMed 0.00002.

Submission:

Labcorp Genetics (formerly Invitae), Labcorp
Classification: Uncertain significance. Last evaluated: 2022-03-12. Review status: criteria provided, single submitter. Criteria: Invitae Variant Classification Sherloc (09022015). Collection method: clinical testing. Allele origin: germline.
Comment: This variant is not present in population databases (gnomAD no frequency). This variant has not been reported in the literature in individuals affected with RIN2-related conditions. Experimental studies and prediction algorithms are not available or were not evaluated, and the functional significance of this variant is currently unknown. In summary, the available evidence is currently insufficient to determine the role of this variant in disease. Therefore, it has been classified as a Variant of Uncertain Significance. The RIN2 gene has multiple clinically relevant transcripts. This variant occurs in alternate transcript NM_001242581.1, and corresponds to NM_018993.3:c.-2853T>C in the primary transcript. This sequence change replaces valine, which is neutral and non-polar, with alanine, which is neutral and non-polar, at codon 27 of the RIN2 protein (p.Val27Ala).

NM_018993.4(RIN2):c.-36-2817T>C

Gene: RIN2 (Ras and Rab interactor 2; plus strand). Cytogenetic location: 20p11.23.
Variant type: single nucleotide variant.
Coding change: c.-36-2817T>C on transcript NM_018993.4 (MANE Select); 2817 bases into the intron before 36 bases upstream of the start codon, T replaced by C.
Molecular consequence: intron variant. On other transcripts: missense variant (1).
Genome position (GRCh38, 1-based): chr20:19,886,749, T>C. VCF-style: chr20-19886749-T-C. GRCh37 (hg19) VCF-style: chr20-19867393-T-C.
Other names: c.80T>C, p.Val27Ala (NM_001242581.2); c.-581-2817T>C (NM_001378238.1); short protein forms V27A.
Identifiers: ClinVar variation 2042368 (VCV002042368.4), dbSNP rs2038214228, ClinGen allele CA408482581.
Genomic context (GRCh38, chr20:19,886,749, plus strand): 5'-AAGAATCCACTTTACCCTTCAGGGAAGCCAGGAAAAGAACAAGCTTCCAACCGGTACAAG[T>C]CTGGAGGAATTTCACAGCCTCTCAAACTACGGTACCCTTTTTGTTTCTTAGTCTAGCCTG-3'